The following is an entry in ClinVar:

ClinVar aggregate classification (germline): Uncertain significance (1 of 4 stars; one submission).

gnomAD v4.1: 3 of 1,614,052 alleles (0.00019%); highest among the groups gnomAD compares: African/African-American, 0.0027%; no homozygotes.

Submission:

GeneDx
Classification: Uncertain significance. Last evaluated: 2026-04-20. Review status: criteria provided, single submitter. Criteria: GeneDx Variant Classification Process June 2021. Collection method: clinical testing. Allele origin: germline.
Comment: Not observed at significant frequency in large population cohorts (gnomAD); In silico analysis supports that this missense variant has a deleterious effect on protein structure/function; Has not been previously published as pathogenic or benign to our knowledge

NM_007118.4(TRIO):c.772G>A (p.Glu258Lys)

Gene: TRIO (trio Rho guanine nucleotide exchange factor; plus strand). Cytogenetic location: 5p15.2.
Variant type: single nucleotide variant.
Coding change: c.772G>A on transcript NM_007118.4 (MANE Select); coding-DNA position 772, G replaced by A.
Protein change: p.Glu258Lys; replaces glutamic acid 258 with lysine.
Molecular consequence: missense variant. On other transcripts: non-coding transcript variant (1).
Genome position (GRCh38, 1-based): chr5:14,290,947, G>A. VCF-style: chr5-14290947-G-A. GRCh37 (hg19) VCF-style: chr5-14291056-G-A.
Other names: short protein forms E258K.
Identifiers: ClinVar variation 5037326 (VCV005037326.1).